The following is an entry in ClinVar:

NM_001110219.3(GJB6):c.339T>A (p.Asn113Lys)

Gene: GJB6 (gap junction protein beta 6; minus strand). Cytogenetic location: 13q12.11.
Variant type: single nucleotide variant.
Coding change: c.339T>A on transcript NM_001110219.3 (MANE Select); coding-DNA position 339, T replaced by A.
Protein change: p.Asn113Lys; replaces asparagine 113 with lysine.
Molecular consequence: missense variant.
Genome position (GRCh38, 1-based): chr13:20,223,142, A>T on the plus strand (T>A on the coding strand, the complement: GJB6 is on the minus strand). VCF-style: chr13-20223142-A-T. GRCh37 (hg19) VCF-style: chr13-20797281-A-T.
Other names: c.339T>A, p.Asn113Lys (NM_001110220.3, NM_001110221.3, NM_001370090.1 and 3 more transcripts); short protein forms N113K.
Identifiers: ClinVar variation 188490 (VCV000188490.25), dbSNP rs143766955, ClinGen allele CA198811.

ClinVar aggregate classification (germline): Benign/Likely benign. Review status: criteria provided, multiple submitters, no conflicts (2 of 4 stars). 7 submissions from 7 submitters: Benign (2); Likely benign (5). Last evaluated 2026-01-06.

Conditions:
Autosomal recessive nonsyndromic hearing loss 1B. Also called: DEAFNESS, AUTOSOMAL RECESSIVE 1B. Identifiers: Orphanet 90636, MedGen C2675235, MONDO:0012977, OMIM 612645.
Autosomal recessive nonsyndromic hearing loss 1A (DFNB1A). Also called: Deafness, autosomal recessive 1A; GJB6-Related DFNB 1 Nonsyndromic Hearing Loss and Deafness; Connexin 26 deafness; Deafness nonsyndromic, Connexin 26 linked; GJB2-Related Autosomal Recessive Nonsyndromic Hearing Loss; Nonsyndromic Hearing Loss and Deafness, DFNB1. Identifiers: Orphanet 90636, MedGen C2673759, MONDO:0009076, OMIM 220290.
Autosomal dominant nonsyndromic hearing loss 3B. Identifiers: Orphanet 90635, MedGen C2675237, MONDO:0012975, OMIM 612643.
Hidrotic ectodermal dysplasia syndrome (GJB6). Also called: Ectodermal dysplasia 2, hidrotic; Autosomal dominant hidrotic ectodermal dysplasia; Clouston syndrome; Clouston's hidrotic ectodermal dysplasia; ECTODERMAL DYSPLASIA 2, CLOUSTON TYPE; Hidrotic ectodermal dysplasia. Identifiers: Orphanet 189, MedGen C0162361, MONDO:0007510, OMIM 129500.

Allele frequency attached by ClinVar (database versions not stated): gnomAD exomes 0.00068; ExAC 0.00083; 1000 Genomes Project 30x 0.00109; 1000 Genomes Project 0.00120; gnomAD 0.00288 and 0.00312; TOPMed 0.00325; ESP Exome Variant Server 0.00392.
gnomAD v4.1: 790 of 1,613,996 alleles (0.049%); highest among the groups gnomAD compares: African/African-American, 0.94%; 4 homozygotes.

Submissions (7):

Labcorp Genetics (formerly Invitae), Labcorp
Classification: Benign for Autosomal dominant nonsyndromic hearing loss 3B; Hidrotic ectodermal dysplasia syndrome; Autosomal recessive nonsyndromic hearing loss 1B; Autosomal recessive nonsyndromic hearing loss 1A. Last evaluated: 2026-01-06. Review status: criteria provided, single submitter. Criteria: Invitae Variant Classification Sherloc (09022015). Collection method: clinical testing. Allele origin: germline.

Blueprint Genetics
Classification: Likely benign. Last evaluated: 2024-11-25. Review status: criteria provided, single submitter. Criteria: ACMG Guidelines, 2015. Collection method: clinical testing. Allele origin: germline.

GeneDx
Classification: Likely benign. Last evaluated: 2020-09-24. Review status: criteria provided, single submitter. Criteria: GeneDx Variant Classification Process June 2021. Collection method: clinical testing. Allele origin: germline. Affected: yes.
Comment: This variant is associated with the following publications: (PMID: 24706568)

Eurofins Ntd Llc (ga)
Classification: Likely benign. Last evaluated: 2017-12-14. Review status: criteria provided, single submitter. Criteria: EGL Classification Definitions 2015. Collection method: clinical testing. Allele origin: germline. Observed: 2 variant alleles, 2 heterozygotes.

Illumina Laboratory Services, Illumina
Classification: Likely benign for Hidrotic ectodermal dysplasia syndrome. Last evaluated: 2017-09-06. Review status: criteria provided, single submitter. Criteria: ICSL Variant Classification Criteria 13 December 2019. Collection method: clinical testing. Allele origin: germline.
Comment: This variant was observed as part of a predisposition screen in an ostensibly healthy population. A literature search was performed for the gene, cDNA change, and amino acid change (where applicable). No publications were found based on this search. Allele frequency data from public databases allowed determination this variant is unlikely to cause disease. Therefore, this variant is classified as likely benign.

Laboratory for Molecular Medicine, Mass General Brigham Personalized Medicine
Classification: Benign. Last evaluated: 2012-04-30. Review status: criteria provided, single submitter. Criteria: LMM Criteria. Collection method: clinical testing. Allele origin: germline. Observed: 2 variant alleles.
Comment: Asn113Lys in Exon 03 of GJB6: This variant is not expected to have clinical sign ificance because it has been identified in 1.2% (44/3738) of African American ch romosomes from a broad population by the NHLBI Exome Sequencing Project (dbSNP rs143766955).

Breakthrough Genomics
Classification: Likely benign. Review status: criteria provided, single submitter. Criteria: ACMG Guidelines, 2015. Collection method: not provided. Allele origin: germline. Inheritance: Autosomal recessive inheritance. Affected: yes.